The following is an entry in ClinVar:

NM_005141.5(FGB):c.114+11del

Gene: FGB (fibrinogen beta chain; plus strand). Cytogenetic location: 4q31.3.
Variant type: Deletion.
Coding change: c.114+11del on transcript NM_005141.5 (MANE Select); 11 bases into the intron after coding-DNA position 114, one base deleted (T; older notation c.114+11delT).
Molecular consequence: intron variant.
Genome position (GRCh38, 1-based): chr4:154,563,143, T deleted; the last of 6 consecutive T bases (chr4:154,563,138-154,563,143); deleting any one gives the same sequence. VCF-style (leftmost placement, unchanged base first): chr4-154563137-AT-A. GRCh37 (hg19) VCF-style: chr4-155484289-AT-A.
Other names: c.114+11delT (NM_005141.5); c.114+11del (NM_001184741.1, NM_001382761.1, NM_001382760.1 and 5 more transcripts).
Identifiers: ClinVar variation 347768 (VCV000347768.9), dbSNP rs779228767, ClinGen allele CA3114436.

ClinVar aggregate classification (germline): Benign/Likely benign. Review status: criteria provided, multiple submitters, no conflicts (2 of 4 stars). 2 submissions from 2 submitters: Benign (1); Likely benign (1). Last evaluated 2024-12-19.

Submissions (2):

Women's Health and Genetics/Laboratory Corporation of America, LabCorp
Classification: Likely benign. Last evaluated: 2024-12-19. Review status: criteria provided, single submitter. Criteria: LabCorp Variant Classification Summary - May 2015. Collection method: clinical testing. Allele origin: germline.
Comment: Variant summary: FGB c.114+11delT alters a non-conserved nucleotide located at a position not widely known to affect splicing. Consensus agreement among computation tools predict no significant impact on normal splicing. However, these predictions have yet to be confirmed by functional studies. The variant allele was found at a frequency of 0.00011 in 158840 control chromosomes (gnomAD). This frequency is not significantly higher than estimated for a pathogenic variant in FGB causing Afibrinogenemia, Congenital, allowing no conclusion about variant significance. To our knowledge, no occurrence of c.114+11delT in individuals affected with Afibrinogenemia, Congenital and no experimental evidence demonstrating its impact on protein function have been reported. ClinVar contains an entry for this variant (Variation ID: 347768). Based on the evidence outlined above, the variant was classified as likely benign.

Labcorp Genetics (formerly Invitae), Labcorp
Classification: Benign. Last evaluated: 2024-08-19. Review status: criteria provided, single submitter. Criteria: Invitae Variant Classification Sherloc (09022015). Collection method: clinical testing. Allele origin: germline.